The following is an entry in ClinVar:

NM_005529.7(HSPG2):c.9920A>G (p.His3307Arg)

Gene: HSPG2 (heparan sulfate proteoglycan 2; minus strand). Cytogenetic location: 1p36.12.
Variant type: single nucleotide variant.
Coding change: c.9920A>G on transcript NM_005529.7 (MANE Select); coding-DNA position 9920, A replaced by G.
Protein change: p.His3307Arg; replaces histidine 3307 with arginine.
Molecular consequence: missense variant.
Genome position (GRCh38, 1-based): chr1:21,839,055, T>C on the plus strand (A>G on the coding strand, the complement: HSPG2 is on the minus strand). VCF-style: chr1-21839055-T-C. GRCh37 (hg19) VCF-style: chr1-22165548-T-C.
Other names: c.9920A>G (NM_005529.5); c.9923A>G, p.His3308Arg (NM_001291860.2); short protein forms H3307R, H3308R.
Identifiers: ClinVar variation 2178260 (VCV002178260.8), dbSNP rs779440838, ClinGen allele CA670272.

ClinVar aggregate classification (germline): Uncertain significance. Review status: criteria provided, multiple submitters, no conflicts (2 of 4 stars). 3 submissions from 3 submitters: Uncertain significance (3). Last evaluated 2025-09-08.

Conditions:
Schwartz-Jampel syndrome type 1 (SJS1). Also called: MYOTONIC MYOPATHY, DWARFISM, CHONDRODYSTROPHY, AND OCULAR AND FACIAL ABNORMALITIES; CHONDRODYSTROPHIC MYOTONIA. Identifiers: MedGen C4551479, MONDO:0100435, OMIM 255800.
Lethal Kniest-like syndrome (DDSH). Also called: Dyssegmental Dysplasia. Identifiers: Orphanet 1865, MedGen C1857100, MONDO:0009140, OMIM 224410.

Allele frequency attached by ClinVar (database versions not stated): gnomAD 0.00001; ExAC 0.00003; gnomAD exomes 0.00004; TOPMed 0.00006.

Submissions (3):

Labcorp Genetics (formerly Invitae), Labcorp
Classification: Uncertain significance. Last evaluated: 2025-09-08. Review status: criteria provided, single submitter. Criteria: Invitae Variant Classification Sherloc (09022015). Collection method: clinical testing. Allele origin: germline.
Comment: This sequence change replaces histidine, which is basic and polar, with arginine, which is basic and polar, at codon 3307 of the HSPG2 protein (p.His3307Arg). This variant is present in population databases (rs779440838, gnomAD 0.08%). This variant has not been reported in the literature in individuals affected with HSPG2-related conditions. ClinVar contains an entry for this variant (Variation ID: 2178260). An algorithm developed to predict the effect of missense changes on protein structure and function (PolyPhen-2) suggests that this variant is likely to be tolerated. In summary, the available evidence is currently insufficient to determine the role of this variant in disease. Therefore, it has been classified as a Variant of Uncertain Significance.

Department of Pathology and Laboratory Medicine, Sinai Health System
Classification: Uncertain significance for Lethal Kniest-like syndrome; Schwartz-Jampel syndrome type 1. Last evaluated: 2021-07-30. Review status: criteria provided, single submitter. Criteria: ACMG Guidelines, 2015. Collection method: research. Allele origin: germline.

Revvity Omics, Revvity
Classification: Uncertain significance. Last evaluated: 2019-04-22. Review status: criteria provided, single submitter. Criteria: ACMG Guidelines, 2015. Collection method: clinical testing. Allele origin: germline.